The following is an entry in ClinVar:

NM_001122955.4(BSCL2):c.1033C>T (p.Arg345Trp)

Genes: BSCL2 (BSCL2 lipid droplet biogenesis associated, seipin; minus strand), HNRNPUL2-BSCL2 (HNRNPUL2-BSCL2 readthrough (NMD candidate); minus strand). Cytogenetic location: 11q12.3.
Variant type: single nucleotide variant.
Coding change: c.1033C>T on transcript NM_001122955.4 (MANE Select); coding-DNA position 1033, C replaced by T.
Protein change: p.Arg345Trp; replaces arginine 345 with tryptophan.
Molecular consequence: missense variant. On other transcripts: non-coding transcript variant (1), synonymous variant (1).
Genome position (GRCh38, 1-based): chr11:62,691,114, G>A on the plus strand (C>T on the coding strand, the complement: BSCL2 is on the minus strand). VCF-style: chr11-62691114-G-A. GRCh37 (hg19) VCF-style: chr11-62458586-G-A.
Other names: c.1033C>T (NM_001122955.3); c.699C>T, p.Pro233= (NM_001130702.2); c.1033C>T, p.Arg345Trp (NM_001386027.1, NM_001386028.1); c.841C>T, p.Arg281Trp (NM_032667.6); short protein forms R281W, R345W.
Identifiers: ClinVar variation 840979 (VCV000840979.16), dbSNP rs767820877, ClinGen allele CA6053357.

ClinVar aggregate classification (germline): Uncertain significance. Review status: criteria provided, multiple submitters, no conflicts (2 of 4 stars). 4 submissions from 4 submitters: Uncertain significance (4). Last evaluated 2025-06-30.

Conditions:
BSCL2-related disorder. Also called: BSCL2-related condition; BSCL2-Related Disorders.
Neuronopathy, distal hereditary motor, type 5C. Also called: NEURONOPATHY, DISTAL HEREDITARY MOTOR, AUTOSOMAL DOMINANT 13; DHMN VC; NEURONOPATHY, DISTAL HEREDITARY MOTOR, HARDING TYPE VC; NEUROPATHY, DISTAL HEREDITARY MOTOR, HARDING TYPE VC; SPINAL MUSCULAR ATROPHY, DISTAL, HARDING TYPE VC. Identifiers: MedGen C5436838, MONDO:0030860, OMIM 619112.
Charcot-Marie-Tooth disease type 2. Also called: Charcot-Marie-Tooth type 2. Identifiers: Orphanet 64746, MedGen C0270914, MONDO:0018993.
Congenital generalized lipodystrophy type 2 (CGL2). Also called: BERARDINELLI SYNDROME; BRUNZELL SYNDROME, BSCL2-RELATED; SEIP SYNDROME; Berardinelli-Seip Congenital Lipodystrophy Type 2. Identifiers: Orphanet 528, Orphanet 696289, MedGen C1720863, MONDO:0010020, OMIM 269700.
Hereditary spastic paraplegia 17. Also called: SPASTIC PARAPLEGIA WITH AMYOTROPHY OF HANDS AND FEET; Spastic Paraplegia 17; Autosomal dominant spastic paraplegia type 17; Silver Syndrome; Silver spastic paraplegia syndrome. Identifiers: Orphanet 100998, MedGen C2931276, MONDO:0010043, OMIM 270685.
Severe neurodegenerative syndrome with lipodystrophy. Also called: Encephalopathy, progressive, with or without lipodystrophy; ENCEPHALOPATHY, PROGRESSIVE, WITH LIPODYSTROPHY. Identifiers: Orphanet 363400, MedGen C4014700, MONDO:0014402, OMIM 615924.

Allele frequency attached by ClinVar (database versions not stated): gnomAD 0.00001; ExAC 0.00002; gnomAD exomes 0.00002; TOPMed 0.00002.
gnomAD v4.1: 20 of 1,614,078 alleles (0.0012%); highest among the groups gnomAD compares: East Asian, 0.0067%; no homozygotes.

Submissions (4):

PreventionGenetics, part of Exact Sciences
Classification: Uncertain significance for BSCL2-related condition. Last evaluated: 2025-06-30. Review status: criteria provided, single submitter. Criteria: ACMG Guidelines, 2015. Collection method: clinical testing. Allele origin: germline.
Comment: The BSCL2 c.1033C>T variant is predicted to result in the amino acid substitution p.Arg345Trp. This variant was reported as a variant of uncertain significance in a study of individuals with features consistent with amyotrophic lateral sclerosis (ALS, Scarlino et al. 2020. PubMed ID: 32397312). This variant is reported in 0.0065% of alleles in individuals of South Asian descent in gnomAD. At this time, the clinical significance of this variant is uncertain due to the absence of conclusive functional and genetic evidence.

Fulgent Genetics
Classification: Uncertain significance for Congenital generalized lipodystrophy type 2; Hereditary spastic paraplegia 17; Severe neurodegenerative syndrome with lipodystrophy; Neuronopathy, distal hereditary motor, type 5C. Last evaluated: 2024-02-05. Review status: criteria provided, single submitter. Criteria: ACMG Guidelines, 2015. Collection method: clinical testing. Allele origin: germline.

Labcorp Genetics (formerly Invitae), Labcorp
Classification: Uncertain significance for Charcot-Marie-Tooth disease type 2. Last evaluated: 2023-05-15. Review status: criteria provided, single submitter. Criteria: Invitae Variant Classification Sherloc (09022015). Collection method: clinical testing. Allele origin: germline.
Comment: In summary, the available evidence is currently insufficient to determine the role of this variant in disease. Therefore, it has been classified as a Variant of Uncertain Significance. Advanced modeling of protein sequence and biophysical properties (such as structural, functional, and spatial information, amino acid conservation, physicochemical variation, residue mobility, and thermodynamic stability) has been performed at Invitae for this missense variant, however the output from this modeling did not meet the statistical confidence thresholds required to predict the impact of this variant on BSCL2 protein function. ClinVar contains an entry for this variant (Variation ID: 840979). This missense change has been observed in individual(s) with clinical features of amyotrophic lateral sclerosis (PMID: 32397312). This variant is present in population databases (rs767820877, gnomAD 0.006%). This sequence change replaces arginine, which is basic and polar, with tryptophan, which is neutral and slightly polar, at codon 281 of the BSCL2 protein (p.Arg281Trp).

Molecular Genetics, Royal Melbourne Hospital
Classification: Uncertain significance for Neuronopathy, distal hereditary motor, type 5C. Last evaluated: 2023-03-30. Review status: criteria provided, single submitter. Criteria: ACMG Guidelines, 2015. Collection method: clinical testing. Allele origin: germline.
Comment: This sequence change is predicted to replace arginine with tryptophan at codon 345 of the BSCL2 protein, p.(Arg345Trp). The arginine residue is weakly conserved (100 vertebrates, UCSC), and is not located in a known functional domain. There is a large physicochemical difference between arginine and tryptophan. The variant is present in a large population cohort (rs767820877, 4/251,474 alleles, 0 homozygotes in gnomAD v2.1). It has been identified in multiple individuals with inconsistent phenotypes (PMID: 23292937, 32397312), and is reported as a variant of uncertain significance (ClinVar). Multiple lines of computational evidence have conflicting predictions for the missense substitution (3/5 algorithms predict deleterious). Based on the classification scheme RMH Modified ACMG Guidelines v1.4.0, this variant is classified as a VARIANT OF UNCERTAIN SIGNIFICANCE. Following criteria are met: none.

Literature cited by the submitters: PubMed 32397312 (cited by Labcorp Genetics (formerly Invitae), Labcorp and Molecular Genetics, Royal Melbourne Hospital); PubMed 23292937 (cited by Molecular Genetics, Royal Melbourne Hospital).